The following is an entry in ClinVar:

ClinVar aggregate classification (germline): Uncertain significance (1 of 4 stars; one submission).

Submission:

GeneDx
Classification: Uncertain significance. Last evaluated: 2022-04-28. Review status: criteria provided, single submitter. Criteria: GeneDx Variant Classification Process June 2021. Collection method: clinical testing. Allele origin: germline. Affected: yes.
Comment: Not observed at significant frequency in large population cohorts (gnomAD); In silico analysis supports that this missense variant has a deleterious effect on protein structure/function; Has not been previously published as pathogenic or benign to our knowledge

NM_015021.3(ZNF292):c.583A>G (p.Arg195Gly)

Gene: ZNF292 (zinc finger protein 292; plus strand). Cytogenetic location: 6q14.3.
Variant type: single nucleotide variant.
Coding change: c.583A>G on transcript NM_015021.3 (MANE Select); coding-DNA position 583, A replaced by G.
Protein change: p.Arg195Gly; replaces arginine 195 with glycine.
Molecular consequence: missense variant.
Genome position (GRCh38, 1-based): chr6:87,233,369, A>G. VCF-style: chr6-87233369-A-G. GRCh37 (hg19) VCF-style: chr6-87943087-A-G.
Other names: c.163A>G, p.Arg55Gly (NM_001351444.2); short protein forms R195G, R55G.
Identifiers: ClinVar variation 1712881 (VCV001712881.2), dbSNP rs2482124878, ClinGen allele CA364929028.
Genomic context (GRCh38, chr6:87,233,369, plus strand): 5'-GTCTTGTTTTTTAAAGTGAATGAATTTTTAGCTTTTGAGGGTCCCATCTTGTTGGATATG[A>G]GAATTAAACATCTAATCAAAACAAATCAGTTAAGTCAAGCAACTGCTCTAGCAAAGCTGT-3'
Protein context (NP_055836.1, residues 185-205): AFEGPILLDM[Arg195Gly]IKHLIKTNQL